The following is an entry in ClinVar:

NM_001429.4(EP300):c.2352G>A (p.Pro784=)

Gene: EP300 (EP300 lysine acetyltransferase; plus strand). Cytogenetic location: 22q13.2.
Variant type: single nucleotide variant.
Coding change: c.2352G>A on transcript NM_001429.4 (MANE Select); coding-DNA position 2352, G replaced by A.
Protein change: p.Pro784=; no amino-acid change (proline 784 retained).
Molecular consequence: synonymous variant.
Genome position (GRCh38, 1-based): chr22:41,149,148, G>A. VCF-style: chr22-41149148-G-A. GRCh37 (hg19) VCF-style: chr22-41545152-G-A.
Other names: c.2274G>A, p.Pro758= (NM_001362843.2).
Identifiers: ClinVar variation 1254534 (VCV001254534.8), dbSNP rs140684440, ClinGen allele CA10252841.

ClinVar aggregate classification (germline): Likely benign. Review status: criteria provided, multiple submitters, no conflicts (2 of 4 stars). 4 submissions from 4 submitters: Likely benign (3). 1 of the submissions does not count toward it. Last evaluated 2025-07-07.

Conditions:
EP300-related disorder. Also called: EP300-related condition; EP300-related disorders.
Rubinstein-Taybi syndrome due to EP300 haploinsufficiency. Also called: RUBINSTEIN-TAYBI SYNDROME 2; EP300-Related Rubinstein-Taybi Syndrome. Identifiers: Orphanet 353284, Orphanet 783, MedGen C3150941, MONDO:0013364, OMIM 613684.

Allele frequency attached by ClinVar (database versions not stated): gnomAD 0.00011; gnomAD exomes 0.00011; TOPMed 0.00013; ExAC 0.00014; ESP Exome Variant Server 0.00023.
gnomAD v4.1: 179 of 1,613,574 alleles (0.011%); highest among the groups gnomAD compares: Middle Eastern, 0.049%; no homozygotes.

Submissions (4):

Labcorp Genetics (formerly Invitae), Labcorp
Classification: Likely benign for Rubinstein-Taybi syndrome due to EP300 haploinsufficiency. Last evaluated: 2025-07-07. Review status: criteria provided, single submitter. Criteria: Invitae Variant Classification Sherloc (09022015). Collection method: clinical testing. Allele origin: germline.

Blueprint Genetics
Classification: Likely benign. Last evaluated: 2024-10-11. Review status: criteria provided, single submitter. Criteria: ACMG Guidelines, 2015. Collection method: clinical testing. Allele origin: germline.

GeneDx
Classification: Likely benign. Last evaluated: 2020-11-13. Review status: criteria provided, single submitter. Criteria: GeneDx Variant Classification Process June 2021. Collection method: clinical testing. Allele origin: germline. Affected: yes.

PreventionGenetics, part of Exact Sciences
Classification: Likely benign for EP300-related condition. Last evaluated: 2021-07-12. Review status: no assertion criteria provided. Collection method: clinical testing. Allele origin: germline. Not counted in ClinVar's aggregate classification.
Comment: This variant is classified as likely benign based on ACMG/AMP sequence variant interpretation guidelines (Richards et al. 2015 PMID: 25741868, with internal and published modifications).